The following is an entry in ClinVar:

NM_020795.4(NLGN2):c.658+6G>C

Gene: NLGN2 (neuroligin 2; plus strand). Cytogenetic location: 17p13.1.
Variant type: single nucleotide variant.
Coding change: c.658+6G>C on transcript NM_020795.4 (MANE Select); 6 bases into the intron after coding-DNA position 658, G replaced by C.
Molecular consequence: intron variant.
Genome position (GRCh38, 1-based): chr17:7,414,499, G>C. VCF-style: chr17-7414499-G-C. GRCh37 (hg19) VCF-style: chr17-7317818-G-C.
Identifiers: ClinVar variation 4754820 (VCV004754820.1).

ClinVar aggregate classification (germline): Uncertain significance (1 of 4 stars; one submission).

gnomAD v4.1: 4 of 1,612,226 alleles (0.00025%); highest among the groups gnomAD compares: Admixed American, 0.0067%; no homozygotes.

Submission:

Labcorp Genetics (formerly Invitae), Labcorp
Classification: Uncertain significance. Last evaluated: 2025-07-02. Review status: criteria provided, single submitter. Criteria: Invitae Variant Classification Sherloc (09022015). Collection method: clinical testing. Allele origin: germline.
Comment: This sequence change falls in intron 3 of the NLGN2 gene. It does not directly change the encoded amino acid sequence of the NLGN2 protein. It affects a nucleotide within the consensus splice site. This variant is present in population databases (no rsID available, gnomAD 0.009%). This variant has not been reported in the literature in individuals affected with NLGN2-related conditions. Variants that disrupt the consensus splice site are a relatively common cause of aberrant splicing (PMID: 17576681, 9536098). Algorithms developed to predict the effect of sequence changes on RNA splicing suggest that this variant is not likely to affect RNA splicing. In summary, the available evidence is currently insufficient to determine the role of this variant in disease. Therefore, it has been classified as a Variant of Uncertain Significance.

Literature cited by the submitters: PubMed 17576681; PubMed 9536098.